The following is an entry in ClinVar:

NM_000075.4(CDK4):c.248C>A (p.Thr83Asn)

Gene: CDK4 (cyclin dependent kinase 4; minus strand). Cytogenetic location: 12q14.1.
Variant type: single nucleotide variant.
Coding change: c.248C>A on transcript NM_000075.4 (MANE Select); coding-DNA position 248, C replaced by A.
Protein change: p.Thr83Asn; replaces threonine 83 with asparagine.
Molecular consequence: missense variant.
Genome position (GRCh38, 1-based): chr12:57,751,313, G>T on the plus strand (C>A on the coding strand, the complement: CDK4 is on the minus strand). VCF-style: chr12-57751313-G-T. GRCh37 (hg19) VCF-style: chr12-58145096-G-T.
Other names: short protein forms T83N.
Identifiers: ClinVar variation 655862 (VCV000655862.8), dbSNP rs1595110800, ClinGen allele CA385548217.

ClinVar aggregate classification (germline): Uncertain significance (1 of 4 stars; one submission).

Conditions:
Familial melanoma. Also called: Hereditary melanoma; Hereditary cutaneous melanoma. Identifiers: Orphanet 618, MedGen C1512419, MONDO:0018961.

Submission:

Labcorp Genetics (formerly Invitae), Labcorp
Classification: Uncertain significance for Familial melanoma. Last evaluated: 2024-03-26. Review status: criteria provided, single submitter. Criteria: Invitae Variant Classification Sherloc (09022015). Collection method: clinical testing. Allele origin: germline.
Comment: This sequence change replaces threonine, which is neutral and polar, with asparagine, which is neutral and polar, at codon 83 of the CDK4 protein (p.Thr83Asn). This variant is not present in population databases (gnomAD no frequency). This variant has not been reported in the literature in individuals affected with CDK4-related conditions. ClinVar contains an entry for this variant (Variation ID: 655862). Advanced modeling of protein sequence and biophysical properties (such as structural, functional, and spatial information, amino acid conservation, physicochemical variation, residue mobility, and thermodynamic stability) performed at Invitae indicates that this missense variant is not expected to disrupt CDK4 protein function with a negative predictive value of 95%. In summary, the available evidence is currently insufficient to determine the role of this variant in disease. Therefore, it has been classified as a Variant of Uncertain Significance.